The following is an entry in ClinVar:

ClinVar aggregate classification (germline): Uncertain significance. Review status: criteria provided, multiple submitters, no conflicts (2 of 4 stars). 2 submissions from 2 submitters: Uncertain significance (2). Last evaluated 2025-02-27.

Allele frequency attached by ClinVar (database versions not stated): TOPMed 0.00001.

Submissions (2):

Ambry Genetics
Classification: Uncertain significance. Last evaluated: 2025-02-27. Review status: criteria provided, single submitter. Criteria: Ambry Variant Classification Scheme 2023. Collection method: clinical testing. Allele origin: germline.

Labcorp Genetics (formerly Invitae), Labcorp
Classification: Uncertain significance. Last evaluated: 2023-05-23. Review status: criteria provided, single submitter. Criteria: Invitae Variant Classification Sherloc (09022015). Collection method: clinical testing. Allele origin: germline.
Comment: In summary, the available evidence is currently insufficient to determine the role of this variant in disease. Therefore, it has been classified as a Variant of Uncertain Significance. An algorithm developed to predict the effect of missense changes on protein structure and function (PolyPhen-2) suggests that this variant is likely to be disruptive. This variant has not been reported in the literature in individuals affected with SYNPO-related conditions. This variant is not present in population databases (gnomAD no frequency). This sequence change replaces proline, which is neutral and non-polar, with arginine, which is basic and polar, at codon 785 of the SYNPO protein (p.Pro785Arg).

NM_007286.6(SYNPO):c.2354C>G (p.Pro785Arg)

Gene: SYNPO (synaptopodin; plus strand). Cytogenetic location: 5q33.1.
Variant type: single nucleotide variant.
Coding change: c.2354C>G on transcript NM_007286.6 (MANE Select); coding-DNA position 2354, C replaced by G.
Protein change: p.Pro785Arg; replaces proline 785 with arginine.
Molecular consequence: missense variant.
Genome position (GRCh38, 1-based): chr5:150,656,729, C>G. VCF-style: chr5-150656729-C-G. GRCh37 (hg19) VCF-style: chr5-150036291-C-G.
Other names: c.2354C>G (NM_007286.5); short protein forms P785R.
Identifiers: ClinVar variation 3016682 (VCV003016682.4), dbSNP rs542780461, ClinGen allele CA361770994.